The following is an entry in ClinVar:

ClinVar aggregate classification (germline): Uncertain significance. Review status: criteria provided, multiple submitters, no conflicts (2 of 4 stars). 2 submissions from 2 submitters: Uncertain significance (2). Last evaluated 2023-01-31.

Conditions:
PIK3CA-related disorder. Also called: PIK3CA-related disorders; PIK3CA- related disease; PIK3CA-related condition.

gnomAD v4.1: 1 of 1,598,258 alleles (0.000063%); highest among the groups gnomAD compares: African/African-American, 0.0014%; no homozygotes.

Submissions (2):

GeneDx
Classification: Uncertain significance. Last evaluated: 2023-01-31. Review status: criteria provided, single submitter. Criteria: GeneDx Variant Classification Process June 2021. Collection method: clinical testing. Allele origin: germline. Affected: yes.
Comment: Not observed at significant frequency in large population cohorts (gnomAD); In silico analysis supports that this missense variant does not alter protein structure/function; Has not been previously published as pathogenic or benign to our knowledge; This variant is associated with the following publications: (PMID: 29279289)

PreventionGenetics, part of Exact Sciences
Classification: Uncertain significance for PIK3CA-related condition. Last evaluated: 2023-01-27. Review status: criteria provided, single submitter. Criteria: ACMG Guidelines, 2015. Collection method: clinical testing. Allele origin: germline.
Comment: The PIK3CA c.2924G>A variant is predicted to result in the amino acid substitution p.Arg975Lys. This variant has been reported in an individual with cervical cancer (Table 1, Xiang et al. 2015. PubMed ID: 26358014). This variant has not been reported in a large population database, indicating this variant is rare. At this time, the clinical significance of this variant is uncertain due to the absence of conclusive functional and genetic evidence.

NM_006218.4(PIK3CA):c.2924G>A (p.Arg975Lys)

Gene: PIK3CA (phosphatidylinositol-4,5-bisphosphate 3-kinase catalytic subunit alpha; plus strand). Cytogenetic location: 3q26.32.
Variant type: single nucleotide variant.
Coding change: c.2924G>A on transcript NM_006218.4 (MANE Select); coding-DNA position 2924, G replaced by A.
Protein change: p.Arg975Lys; replaces arginine 975 with lysine.
Molecular consequence: missense variant.
Genome position (GRCh38, 1-based): chr3:179,230,364, G>A. VCF-style: chr3-179230364-G-A. GRCh37 (hg19) VCF-style: chr3-178948152-G-A.
Other names: c.2924G>A (NM_006218.3); short protein forms R975K.
Identifiers: ClinVar variation 2574252 (VCV002574252.2), dbSNP rs2108425349, ClinGen allele CA355282262.